The following is an entry in ClinVar:

NM_024675.4(PALB2):c.86G>C (p.Ser29Thr)

Gene: PALB2 (partner and localizer of BRCA2; minus strand). Cytogenetic location: 16p12.2.
Variant type: single nucleotide variant.
Coding change: c.86G>C on transcript NM_024675.4 (MANE Select); coding-DNA position 86, G replaced by C.
Protein change: p.Ser29Thr; replaces serine 29 with threonine.
Molecular consequence: missense variant.
Genome position (GRCh38, 1-based): chr16:23,638,092, C>G on the plus strand (G>C on the coding strand, the complement: PALB2 is on the minus strand). VCF-style: chr16-23638092-C-G. GRCh37 (hg19) VCF-style: chr16-23649413-C-G.
Other names: short protein forms S29T.
Identifiers: ClinVar variation 830089 (VCV000830089.2), dbSNP rs1967110973, ClinGen allele CA395139717.

ClinVar aggregate classification (germline): Likely benign. Review status: criteria provided, single submitter (1 of 4 stars). 2 submissions from 2 submitters: Likely benign (1). 1 of the submissions does not count toward it. Last evaluated 2025-03-14.

Conditions:
Hereditary cancer-predisposing syndrome. Also called: Hereditary neoplastic syndrome; Neoplastic Syndromes, Hereditary; Tumor predisposition; Hereditary Cancer Syndrome. Identifiers: Orphanet 140162, MedGen C0027672, MeSH D009386, MONDO:0015356.

Allele frequency attached by ClinVar (database versions not stated): gnomAD exomes below 0.00001.
gnomAD v4.1: 1 of 1,613,996 alleles (0.000062%); highest among the groups gnomAD compares: African/African-American, 0.0013%; no homozygotes.

Submissions (2):

Ambry Genetics
Classification: Likely benign for Hereditary cancer-predisposing syndrome. Last evaluated: 2025-03-14. Review status: criteria provided, single submitter. Criteria: Ambry Variant Classification Scheme 2023. Collection method: clinical testing. Allele origin: germline.

Leiden Open Variation Database
Classification: Uncertain significance. Last evaluated: 2018-10-10. Review status: no assertion criteria provided. Collection method: curation. Allele origin: germline. Affected: yes. Not counted in ClinVar's aggregate classification.
Comment: Curators: Marc Tischkowitz, Arleen D. Auerbach. Submitter to LOVD: Yukihide Momozawa.

Literature cited by the submitters: PubMed 30287823 (cited by Leiden Open Variation Database).